The following is an entry in ClinVar:

NM_001298.3(CNGA3):c.1468C>A (p.Leu490Met)

Gene: CNGA3 (cyclic nucleotide gated channel subunit alpha 3; plus strand). Cytogenetic location: 2q11.2.
Variant type: single nucleotide variant.
Coding change: c.1468C>A on transcript NM_001298.3 (MANE Select); coding-DNA position 1468, C replaced by A.
Protein change: p.Leu490Met; replaces leucine 490 with methionine.
Molecular consequence: missense variant.
Genome position (GRCh38, 1-based): chr2:98,396,638, C>A. VCF-style: chr2-98396638-C-A. GRCh37 (hg19) VCF-style: chr2-99013101-C-A.
Other names: c.1414C>A, p.Leu472Met (NM_001079878.2); c.1468C>A (NM_001298.2); short protein forms L472M, L490M.
Identifiers: ClinVar variation 1022789 (VCV001022789.10), dbSNP rs1692923847, ClinGen allele CA347833620.

ClinVar aggregate classification (germline): Uncertain significance. Review status: criteria provided, multiple submitters, no conflicts (2 of 4 stars). 2 submissions from 2 submitters: Uncertain significance (2). Last evaluated 2025-10-29.

Conditions:
Inborn genetic diseases. Identifiers: MedGen C0950123, MeSH D030342.

Submissions (2):

Ambry Genetics
Classification: Uncertain significance for Inborn genetic diseases. Last evaluated: 2025-10-29. Review status: criteria provided, single submitter. Criteria: Ambry Variant Classification Scheme 2023. Collection method: clinical testing. Allele origin: germline.

Labcorp Genetics (formerly Invitae), Labcorp
Classification: Uncertain significance. Last evaluated: 2020-02-18. Review status: criteria provided, single submitter. Criteria: Invitae Variant Classification Sherloc (09022015). Collection method: clinical testing. Allele origin: germline.
Comment: This sequence change replaces leucine with methionine at codon 490 of the CNGA3 protein (p.Leu490Met). The leucine residue is highly conserved and there is a small physicochemical difference between leucine and methionine. This variant is not present in population databases (ExAC no frequency). This variant has not been reported in the literature in individuals with CNGA3-related conditions. Algorithms developed to predict the effect of missense changes on protein structure and function are either unavailable or do not agree on the potential impact of this missense change (SIFT: "Deleterious"; PolyPhen-2: "Probably Damaging"; Align-GVGD: "Class C0"). In summary, the available evidence is currently insufficient to determine the role of this variant in disease. Therefore, it has been classified as a Variant of Uncertain Significance.